The following is an entry in ClinVar:

NM_014423.4(AFF4):c.2033C>T (p.Pro678Leu)

Gene: AFF4 (ALF transcription elongation factor 4; minus strand). Cytogenetic location: 5q31.1.
Variant type: single nucleotide variant.
Coding change: c.2033C>T on transcript NM_014423.4 (MANE Select); coding-DNA position 2033, C replaced by T.
Protein change: p.Pro678Leu; replaces proline 678 with leucine.
Molecular consequence: missense variant.
Genome position (GRCh38, 1-based): chr5:132,896,597, G>A on the plus strand (C>T on the coding strand, the complement: AFF4 is on the minus strand). VCF-style: chr5-132896597-G-A. GRCh37 (hg19) VCF-style: chr5-132232289-G-A.
Other names: short protein forms P678L.
Identifiers: ClinVar variation 1033695 (VCV001033695.5), dbSNP rs572126510, ClinGen allele CA3409008.

ClinVar aggregate classification (germline): Conflicting classifications of pathogenicity. Review status: criteria provided, conflicting classifications (1 of 4 stars). 4 submissions from 4 submitters: Uncertain significance (3); Likely benign (1). Last evaluated 2025-09-03.

Conditions:
Inborn genetic diseases. Identifiers: MedGen C0950123, MeSH D030342.
Cognitive impairment - coarse facies - heart defects - obesity - pulmonary involvement - short stature - skeletal dysplasia syndrome. Also called: AFF4-Related CHOPS Syndrome; COGNITIVE IMPAIRMENT, COARSE FACIES, HEART DEFECTS, OBESITY, PULMONARY INVOLVEMENT, SHORT STATURE, AND SKELETAL DYSPLASIA; Chops syndrome. Identifiers: Orphanet 444077, MedGen C4085597, MONDO:0014609, OMIM 616368.
AFF4-related disorder. Also called: AFF4-related condition.

Allele frequency attached by ClinVar (database versions not stated): gnomAD 0.00001 and 0.00002; ExAC 0.00003; gnomAD exomes 0.00003 and 0.00006; TOPMed 0.00003; 1000 Genomes Project 30x 0.00016; 1000 Genomes Project 0.00020.
gnomAD v4.1: 44 of 1,614,018 alleles (0.0027%); highest among the groups gnomAD compares: South Asian, 0.033%; 1 homozygote.

Submissions (4):

Labcorp Genetics (formerly Invitae), Labcorp
Classification: Uncertain significance for Cognitive impairment - coarse facies - heart defects - obesity - pulmonary involvement - short stature - skeletal dysplasia syndrome. Last evaluated: 2025-09-03. Review status: criteria provided, single submitter. Criteria: Invitae Variant Classification Sherloc (09022015). Collection method: clinical testing. Allele origin: germline.
Comment: This sequence change replaces proline, which is neutral and non-polar, with leucine, which is neutral and non-polar, at codon 678 of the AFF4 protein (p.Pro678Leu). This variant is present in population databases (rs572126510, gnomAD 0.04%), and has an allele count higher than expected for a pathogenic variant. This variant has not been reported in the literature in individuals affected with AFF4-related conditions. ClinVar contains an entry for this variant (Variation ID: 1033695). Invitae Evidence Modeling of protein sequence and biophysical properties (such as structural, functional, and spatial information, amino acid conservation, physicochemical variation, residue mobility, and thermodynamic stability) indicates that this missense variant is not expected to disrupt AFF4 protein function with a negative predictive value of 80%. In summary, the available evidence is currently insufficient to determine the role of this variant in disease. Therefore, it has been classified as a Variant of Uncertain Significance.

Ambry Genetics
Classification: Likely benign for Inborn genetic diseases. Last evaluated: 2023-05-03. Review status: criteria provided, single submitter. Criteria: Ambry Variant Classification Scheme 2023. Collection method: clinical testing. Allele origin: germline.

PreventionGenetics, part of Exact Sciences
Classification: Uncertain significance for AFF4-related condition. Last evaluated: 2023-03-21. Review status: criteria provided, single submitter. Criteria: ACMG Guidelines, 2015. Collection method: clinical testing. Allele origin: germline.
Comment: The AFF4 c.2033C>T variant is predicted to result in the amino acid substitution p.Pro678Leu. To our knowledge, this variant has not been reported in the literature. This variant is reported in 0.036% of alleles in individuals of South Asian descent in gnomAD. Although we suspect that this variant may be benign, at this time, the clinical significance of this variant is uncertain due to the absence of conclusive functional and genetic evidence.

Baylor Genetics
Classification: Uncertain significance for Cognitive impairment - coarse facies - heart defects - obesity - pulmonary involvement - short stature - skeletal dysplasia syndrome. Last evaluated: 2018-04-02. Review status: criteria provided, single submitter. Criteria: ACMG Guidelines, 2015. Collection method: clinical testing. Allele origin: paternal. Affected: yes.
Comment: This variant was determined to be of uncertain significance according to ACMG Guidelines, 2015 [PMID:25741868].